The following is an entry in ClinVar:

NM_000823.4(GHRHR):c.436G>A (p.Val146Met)

Gene: GHRHR (growth hormone releasing hormone receptor; plus strand). Cytogenetic location: 7p14.3.
Variant type: single nucleotide variant.
Coding change: c.436G>A on transcript NM_000823.4 (MANE Select); coding-DNA position 436, G replaced by A.
Protein change: p.Val146Met; replaces valine 146 with methionine.
Molecular consequence: missense variant.
Genome position (GRCh38, 1-based): chr7:30,971,188, G>A. VCF-style: chr7-30971188-G-A. GRCh37 (hg19) VCF-style: chr7-31010803-G-A.
Other names: short protein forms V146M.
Identifiers: ClinVar variation 1917444 (VCV001917444.3), dbSNP rs1206534113, ClinGen allele CA367152229.

ClinVar aggregate classification (germline): Uncertain significance. Review status: criteria provided, multiple submitters, no conflicts (2 of 4 stars). 2 submissions from 2 submitters: Uncertain significance (2). Last evaluated 2023-12-21.

Allele frequency attached by ClinVar (database versions not stated): gnomAD 0.00001; gnomAD exomes 0.00001; TOPMed 0.00001.
gnomAD v4.1: 19 of 1,513,496 alleles (0.0013%); highest among the groups gnomAD compares: Admixed American, 0.0096%; no homozygotes.

Submissions (2):

Blueprint Genetics
Classification: Uncertain significance. Last evaluated: 2023-12-21. Review status: criteria provided, single submitter. Criteria: ACMG Guidelines, 2015. Collection method: clinical testing. Allele origin: germline.

Labcorp Genetics (formerly Invitae), Labcorp
Classification: Uncertain significance. Last evaluated: 2022-08-21. Review status: criteria provided, single submitter. Criteria: Invitae Variant Classification Sherloc (09022015). Collection method: clinical testing. Allele origin: germline.
Comment: This sequence change replaces valine, which is neutral and non-polar, with methionine, which is neutral and non-polar, at codon 146 of the GHRHR protein (p.Val146Met). The frequency data for this variant in the population databases is considered unreliable, as metrics indicate poor data quality at this position in the gnomAD database. This variant has not been reported in the literature in individuals affected with GHRHR-related conditions. Algorithms developed to predict the effect of missense changes on protein structure and function output the following: SIFT: "Deleterious"; PolyPhen-2: "Benign"; Align-GVGD: "Class C0". The methionine amino acid residue is found in multiple mammalian species, which suggests that this missense change does not adversely affect protein function. In summary, the available evidence is currently insufficient to determine the role of this variant in disease. Therefore, it has been classified as a Variant of Uncertain Significance.